The following is an entry in ClinVar:

ClinVar aggregate classification (germline): Uncertain significance. Review status: criteria provided, multiple submitters, no conflicts (2 of 4 stars). 2 submissions from 2 submitters: Uncertain significance (2). Last evaluated 2024-04-22.

Conditions:
Ataxia-telangiectasia syndrome (AT). Also called: Ataxia telangiectasia (A-T); LOUIS-BAR SYNDROME; Cerebello-oculocutaneous telangiectasia; Immunodeficiency with ataxia telangiectasia; Ataxia-telangiectasia, complementation group D; AT, COMPLEMENTATION GROUP C. Identifiers: Orphanet 100, MedGen C0004135, MONDO:0008840, OMIM 208900.
Hereditary cancer-predisposing syndrome. Also called: Hereditary neoplastic syndrome; Neoplastic Syndromes, Hereditary; Tumor predisposition; Hereditary Cancer Syndrome. Identifiers: Orphanet 140162, MedGen C0027672, MeSH D009386, MONDO:0015356.

Allele frequency attached by ClinVar (database versions not stated): gnomAD exomes below 0.00001.
gnomAD v4.1: 1 of 1,613,982 alleles (0.000062%); highest among the groups gnomAD compares: Non-Finnish European, 0.000085%; no homozygotes.

Submissions (2):

Labcorp Genetics (formerly Invitae), Labcorp
Classification: Uncertain significance for Ataxia-telangiectasia syndrome. Last evaluated: 2024-04-22. Review status: criteria provided, single submitter. Criteria: Invitae Variant Classification Sherloc (09022015). Collection method: clinical testing. Allele origin: germline.
Comment: This sequence change replaces arginine, which is basic and polar, with isoleucine, which is neutral and non-polar, at codon 1859 of the ATM protein (p.Arg1859Ile). The frequency data for this variant in the population databases is considered unreliable, as metrics indicate poor data quality at this position in the gnomAD database. This variant has not been reported in the literature in individuals affected with ATM-related conditions. ClinVar contains an entry for this variant (Variation ID: 407504). An algorithm developed to predict the effect of missense changes on protein structure and function (PolyPhen-2) suggests that this variant is likely to be tolerated. In summary, the available evidence is currently insufficient to determine the role of this variant in disease. Therefore, it has been classified as a Variant of Uncertain Significance.

Ambry Genetics
Classification: Uncertain significance for Hereditary cancer-predisposing syndrome. Last evaluated: 2021-05-20. Review status: criteria provided, single submitter. Criteria: Ambry Variant Classification Scheme 2023. Collection method: clinical testing. Allele origin: germline.
Comment: The p.R1859I variant (also known as c.5576G>T), located in coding exon 36 of the ATM gene, results from a G to T substitution at nucleotide position 5576. The arginine at codon 1859 is replaced by isoleucine, an amino acid with similar properties. This amino acid position is highly conserved in available vertebrate species. In addition, the in silico prediction for this alteration is inconclusive. Since supporting evidence is limited at this time, the clinical significance of this alteration remains unclear.

NM_000051.4(ATM):c.5576G>T (p.Arg1859Ile)

Gene: ATM (ATM serine/threonine kinase; plus strand). Cytogenetic location: 11q22.3.
Variant type: single nucleotide variant.
Coding change: c.5576G>T on transcript NM_000051.4 (MANE Select); coding-DNA position 5576, G replaced by T.
Protein change: p.Arg1859Ile; replaces arginine 1859 with isoleucine.
Molecular consequence: missense variant.
Genome position (GRCh38, 1-based): chr11:108,304,754, G>T. VCF-style: chr11-108304754-G-T. GRCh37 (hg19) VCF-style: chr11-108175481-G-T.
Other names: c.5576G>T, p.Arg1859Ile (NM_001351834.2); short protein forms R1859I.
Identifiers: ClinVar variation 407504 (VCV000407504.14), dbSNP rs1060501568, ClinGen allele CA16613384.